The following is an entry in ClinVar:

NM_000051.4(ATM):c.6268G>A (p.Asp2090Asn)

Genes: ATM (ATM serine/threonine kinase; plus strand), C11orf65 (chromosome 11 open reading frame 65; minus strand). Cytogenetic location: 11q22.3.
Variant type: single nucleotide variant.
Coding change: c.6268G>A on transcript NM_000051.4 (MANE Select); coding-DNA position 6268, G replaced by A.
Protein change: p.Asp2090Asn; replaces aspartic acid 2090 with asparagine.
Molecular consequence: missense variant. On other transcripts: intron variant (2).
Genome position (GRCh38, 1-based): chr11:108,317,442, G>A. VCF-style: chr11-108317442-G-A. GRCh37 (hg19) VCF-style: chr11-108188169-G-A.
Other names: c.*39-8371C>T (NM_001351110.2); c.6268G>A, p.Asp2090Asn (NM_001351834.2); c.641-8371C>T (NM_001330368.2); short protein forms D2090N.
Identifiers: ClinVar variation 481285 (VCV000481285.18), dbSNP rs915524411, ClinGen allele CA228403258.

ClinVar aggregate classification (germline): Uncertain significance. Review status: criteria provided, multiple submitters, no conflicts (2 of 4 stars). 3 submissions from 3 submitters: Uncertain significance (3). Last evaluated 2024-03-06.

Conditions:
Hereditary cancer-predisposing syndrome. Also called: Neoplastic Syndromes, Hereditary; Hereditary Cancer Syndrome; Tumor predisposition; Hereditary neoplastic syndrome. Identifiers: Orphanet 140162, MedGen C0027672, MeSH D009386, MONDO:0015356.
Ataxia-telangiectasia syndrome (AT). Also called: LOUIS-BAR SYNDROME; Cerebello-oculocutaneous telangiectasia; Immunodeficiency with ataxia telangiectasia; Ataxia-telangiectasia, complementation group D; AT, COMPLEMENTATION GROUP C; Ataxia-telangiectasia, complementation group E. Identifiers: Orphanet 100, MedGen C0004135, MONDO:0008840, OMIM 208900.

Allele frequency attached by ClinVar (database versions not stated): TOPMed 0.00001.

Submissions (3):

Color Diagnostics, LLC DBA Color Health
Classification: Uncertain significance for Hereditary cancer-predisposing syndrome. Last evaluated: 2024-03-06. Review status: criteria provided, single submitter. Criteria: ACMG Guidelines, 2015. Collection method: clinical testing. Allele origin: germline.
Comment: This missense variant replaces aspartic acid with asparagine at codon 2090 of the ATM protein. Computational prediction suggests that this variant may not impact protein structure and function (internally defined REVEL score threshold <= 0.5, PMID: 27666373). To our knowledge, functional studies have not been reported for this variant. This variant has not been reported in individuals affected with hereditary cancer in the literature. This variant has not been identified in the general population by the Genome Aggregation Database (gnomAD). The available evidence is insufficient to determine the role of this variant in disease conclusively. Therefore, this variant is classified as a Variant of Uncertain Significance.

Labcorp Genetics (formerly Invitae), Labcorp
Classification: Uncertain significance for Ataxia-telangiectasia syndrome. Last evaluated: 2024-03-02. Review status: criteria provided, single submitter. Criteria: Invitae Variant Classification Sherloc (09022015). Collection method: clinical testing. Allele origin: germline.
Comment: This sequence change replaces aspartic acid, which is acidic and polar, with asparagine, which is neutral and polar, at codon 2090 of the ATM protein (p.Asp2090Asn). This variant is not present in population databases (gnomAD no frequency). This variant has not been reported in the literature in individuals affected with ATM-related conditions. ClinVar contains an entry for this variant (Variation ID: 481285). An algorithm developed to predict the effect of missense changes on protein structure and function (PolyPhen-2) suggests that this variant is likely to be tolerated. In summary, the available evidence is currently insufficient to determine the role of this variant in disease. Therefore, it has been classified as a Variant of Uncertain Significance.

Ambry Genetics
Classification: Uncertain significance for Hereditary cancer-predisposing syndrome. Last evaluated: 2023-03-31. Review status: criteria provided, single submitter. Criteria: Ambry Variant Classification Scheme 2023. Collection method: clinical testing. Allele origin: germline.
Comment: The p.D2090N variant (also known as c.6268G>A), located in coding exon 42 of the ATM gene, results from a G to A substitution at nucleotide position 6268. The aspartic acid at codon 2090 is replaced by asparagine, an amino acid with highly similar properties. This amino acid position is poorly conserved in available vertebrate species. In addition, this alteration is predicted to be tolerated by in silico analysis. Since supporting evidence is limited at this time, the clinical significance of this alteration remains unclear.